The following is an entry in ClinVar:

ClinVar aggregate classification (germline): Conflicting classifications of pathogenicity. Review status: criteria provided, conflicting classifications (1 of 4 stars). 3 submissions from 3 submitters: Pathogenic (1); Uncertain significance (2). Last evaluated 2023-12-13.

Conditions:
Joubert syndrome 17 (JBTS17). Identifiers: Orphanet 475, MedGen C3553264, MONDO:0013824, OMIM 614615.

Allele frequency attached by ClinVar (database versions not stated): gnomAD exomes 0.00001.
gnomAD v4.1: 2 of 742,366 alleles (0.00027%); highest among the groups gnomAD compares: Non-Finnish European, 0.00037%; no homozygotes.

Submissions (3):

Institute of Human Genetics, University of Leipzig Medical Center
Classification: Pathogenic for Joubert syndrome 17. Last evaluated: 2023-12-13. Review status: criteria provided, single submitter. Criteria: ACMG Guidelines, 2015. Collection method: clinical testing. Allele origin: paternal. Inheritance: Autosomal recessive inheritance. Affected: yes.
Comment: Criteria applied: PM2,PP4,PVS1(RNA), PM3

Centre for Mendelian Genomics, University Medical Centre Ljubljana
Classification: Uncertain significance. Last evaluated: 2019-06-06. Review status: criteria provided, single submitter. Criteria: ACMG Guidelines, 2015. Collection method: clinical testing. Allele origin: unknown. Affected: yes.
Comment: This variant was classified as: Uncertain significance. The available evidence favors the pathogenic nature of this variant, however the currently available data is insufficient to conclusively support its pathogenic nature. Thus this variant is classified as Uncertain significance - favor pathogenic. The following ACMG criteria were applied in classifying this variant: PM2,BP4.

Blueprint Genetics
Classification: Uncertain significance. Last evaluated: 2018-01-22. Review status: criteria provided, single submitter. Criteria: ACMG Guidelines, 2015. Collection method: clinical testing. Allele origin: germline.

NM_001384732.1(CPLANE1):c.8633-3T>A

Gene: CPLANE1 (ciliogenesis and planar polarity effector complex subunit 1; minus strand). Cytogenetic location: 5p13.2.
Variant type: single nucleotide variant.
Coding change: c.8633-3T>A on transcript NM_001384732.1 (MANE Select); 3 bases into the intron before coding-DNA position 8633, T replaced by A.
Molecular consequence: intron variant.
Genome position (GRCh38, 1-based): chr5:37,139,373, A>T on the plus strand (T>A on the coding strand, the complement: CPLANE1 is on the minus strand). VCF-style: chr5-37139373-A-T. GRCh37 (hg19) VCF-style: chr5-37139475-A-T.
Other names: c.8471-3T>A (NM_023073.4).
Identifiers: ClinVar variation 930502 (VCV000930502.5), dbSNP rs1561376157, ClinGen allele CA1139658802.